The following is an entry in ClinVar:

ClinVar aggregate classification (germline): Uncertain significance (1 of 4 stars; one submission).

Conditions:
Hyperkalemic periodic paralysis. Also called: Familial hyperkalemic periodic paralysis; Gamstorp disease. Identifiers: Orphanet 682, MedGen C0238357, MONDO:0008224, OMIM 170500, HP:0007215.

Submission:

Labcorp Genetics (formerly Invitae), Labcorp
Classification: Uncertain significance for Hyperkalemic periodic paralysis. Last evaluated: 2023-12-25. Review status: criteria provided, single submitter. Criteria: Invitae Variant Classification Sherloc (09022015). Collection method: clinical testing. Allele origin: germline.
Comment: This sequence change replaces phenylalanine, which is neutral and non-polar, with leucine, which is neutral and non-polar, at codon 1290 of the SCN4A protein (p.Phe1290Leu). This variant is not present in population databases (gnomAD no frequency). This missense change has been observed in individual(s) with clinical features of SCN4A-related conditions (PMID: 31068157). Advanced modeling of protein sequence and biophysical properties (such as structural, functional, and spatial information, amino acid conservation, physicochemical variation, residue mobility, and thermodynamic stability) has been performed at Invitae for this missense variant, however the output from this modeling did not meet the statistical confidence thresholds required to predict the impact of this variant on SCN4A protein function. Experimental studies have shown that this missense change affects SCN4A function (PMID: 27653901). In summary, the available evidence is currently insufficient to determine the role of this variant in disease. Therefore, it has been classified as a Variant of Uncertain Significance.

Literature cited by the submitters: PubMed 31068157; PubMed 27653901.

NM_000334.4(SCN4A):c.3868T>C (p.Phe1290Leu)

Genes: GH-LCR (growth hormone locus control region; plus strand), SCN4A (sodium voltage-gated channel alpha subunit 4; minus strand). Cytogenetic location: 17q23.3.
Variant type: single nucleotide variant.
Coding change: c.3868T>C on transcript NM_000334.4 (MANE Select); coding-DNA position 3868, T replaced by C.
Protein change: p.Phe1290Leu; replaces phenylalanine 1290 with leucine.
Molecular consequence: missense variant.
Genome position (GRCh38, 1-based): chr17:63,944,717, A>G on the plus strand (T>C on the coding strand, the complement: SCN4A is on the minus strand). VCF-style: chr17-63944717-A-G. GRCh37 (hg19) VCF-style: chr17-62022077-A-G.
Other names: short protein forms F1290L.
Identifiers: ClinVar variation 2907531 (VCV002907531.3), dbSNP rs2509289127, ClinGen allele CA400617308.